The following is an entry in ClinVar:

NM_001289125.3(IFNAR2):c.1107C>A (p.Asp369Glu)

Genes: IFNAR2 (interferon alpha and beta receptor subunit 2; plus strand), IFNAR2-IL10RB (IFNAR2-IL10RB readthrough; plus strand). Cytogenetic location: 21q22.11.
Variant type: single nucleotide variant.
Coding change: c.1107C>A on transcript NM_001289125.3 (MANE Select); coding-DNA position 1107, C replaced by A.
Protein change: p.Asp369Glu; replaces aspartic acid 369 with glutamic acid.
Molecular consequence: missense variant. On other transcripts: 3 prime UTR variant (5).
Genome position (GRCh38, 1-based): chr21:33,263,059, C>A. VCF-style: chr21-33263059-C-A. GRCh37 (hg19) VCF-style: chr21-34635364-C-A.
Other names: c.*343C>A (NM_000874.5, NM_207584.3); c.*256C>A (NM_001289126.2, NM_001289128.2); c.*482C>A (NM_001385054.1); c.1107C>A, p.Asp369Glu (NM_001385055.1, NM_207585.3); c.1107C>A (NM_207585.1); short protein forms D369E.
Identifiers: ClinVar variation 1431439 (VCV001431439.7), dbSNP rs185586873, ClinGen allele CA10005917.
Genomic context (GRCh38, chr21:33,263,059, plus strand): 5'-GGCCTCTGCCACCTCTACAGAATCCCAGTTGATAGACCCGGAGTCCGAGGAGGAGCCTGA[C>A]CTGCCTGAGGTTGATGTGGAGCTCCCCACGATGCCAAAGGACAGCCCTCAGCAGTTGGAA-3'
Protein context (NP_001276054.1, residues 359-379): LIDPESEEEP[Asp369Glu]LPEVDVELPT

ClinVar aggregate classification (germline): Conflicting classifications of pathogenicity. Review status: criteria provided, conflicting classifications (1 of 4 stars). 3 submissions from 3 submitters: Uncertain significance (2); Likely benign (1). Last evaluated 2025-12-20.

Allele frequency attached by ClinVar (database versions not stated): ESP Exome Variant Server 0.00008; ExAC 0.00011; gnomAD exomes 0.00011; 1000 Genomes Project 30x 0.00016; 1000 Genomes Project 0.00020.

Submissions (3):

Labcorp Genetics (formerly Invitae), Labcorp
Classification: Uncertain significance. Last evaluated: 2025-12-20. Review status: criteria provided, single submitter. Criteria: Invitae Variant Classification Sherloc (09022015). Collection method: clinical testing. Allele origin: germline.
Comment: This sequence change replaces aspartic acid, which is acidic and polar, with glutamic acid, which is acidic and polar, at codon 369 of the IFNAR2 protein (p.Asp369Glu). This variant is present in population databases (rs185586873, gnomAD 0.02%). This variant has not been reported in the literature in individuals affected with IFNAR2-related conditions. ClinVar contains an entry for this variant (Variation ID: 1431439). An algorithm developed to predict the effect of missense changes on protein structure and function outputs the following: PolyPhen-2: "Benign". The glutamic acid amino acid residue is found in multiple mammalian species, which suggests that this missense change does not adversely affect protein function. In summary, the available evidence is currently insufficient to determine the role of this variant in disease. Therefore, it has been classified as a Variant of Uncertain Significance.

Ambry Genetics
Classification: Uncertain significance. Last evaluated: 2024-12-13. Review status: criteria provided, single submitter. Criteria: Ambry Variant Classification Scheme 2023. Collection method: clinical testing. Allele origin: germline.

Blueprint Genetics
Classification: Likely benign. Last evaluated: 2024-11-20. Review status: criteria provided, single submitter. Criteria: ACMG Guidelines, 2015. Collection method: clinical testing. Allele origin: germline.